The following is an entry in ClinVar:

NM_005733.3(KIF20A):c.1243T>C (p.Cys415Arg)

Gene: KIF20A (kinesin family member 20A; plus strand). Cytogenetic location: 5q31.2.
Variant type: single nucleotide variant.
Coding change: c.1243T>C on transcript NM_005733.3 (MANE Select); coding-DNA position 1243, T replaced by C.
Protein change: p.Cys415Arg; replaces cysteine 415 with arginine.
Molecular consequence: missense variant.
Genome position (GRCh38, 1-based): chr5:138,183,996, T>C. VCF-style: chr5-138183996-T-C. GRCh37 (hg19) VCF-style: chr5-137519685-T-C.
Other names: short protein forms C415R.
Identifiers: ClinVar variation 1929624 (VCV001929624.5), dbSNP rs764051460, ClinGen allele CA3426556.

ClinVar aggregate classification (germline): Uncertain significance (1 of 4 stars; one submission).

Allele frequency attached by ClinVar (database versions not stated): gnomAD exomes below 0.00001; ExAC 0.00001; gnomAD 0.00001; TOPMed 0.00002.

Submission:

Labcorp Genetics (formerly Invitae), Labcorp
Classification: Uncertain significance. Last evaluated: 2022-05-07. Review status: criteria provided, single submitter. Criteria: Invitae Variant Classification Sherloc (09022015). Collection method: clinical testing. Allele origin: germline.
Comment: This variant is present in population databases (rs764051460, gnomAD 0.002%). This sequence change replaces cysteine, which is neutral and slightly polar, with arginine, which is basic and polar, at codon 415 of the KIF20A protein (p.Cys415Arg). This variant has not been reported in the literature in individuals affected with KIF20A-related conditions. In summary, the available evidence is currently insufficient to determine the role of this variant in disease. Therefore, it has been classified as a Variant of Uncertain Significance. Algorithms developed to predict the effect of missense changes on protein structure and function (SIFT, PolyPhen-2, Align-GVGD) all suggest that this variant is likely to be disruptive.